The following is an entry in ClinVar:

ClinVar aggregate classification (germline): Benign (1 of 4 stars; one submission).

Allele frequency attached by ClinVar (database versions not stated): 1000 Genomes Project 0.05531; 1000 Genomes Project 30x 0.05762; TOPMed 0.05894.

Submission:

GeneDx
Classification: Benign. Last evaluated: 2018-06-19. Review status: criteria provided, single submitter. Criteria: GeneDx Variant Classification (06012015). Collection method: clinical testing. Allele origin: germline. Affected: yes.
Comment: This variant is considered likely benign or benign based on one or more of the following criteria: it is a conservative change, it occurs at a poorly conserved position in the protein, it is predicted to be benign by multiple in silico algorithms, and/or has population frequency not consistent with disease.

NM_003073.3(SMARCB1):c.-427C>T

Gene: SMARCB1 (SWI/SNF related BAF chromatin remodeling complex subunit B1; plus strand). Cytogenetic location: 22q11.23.
Variant type: single nucleotide variant.
Coding change: c.-427C>T on transcript NM_003073.3; 427 bases upstream of the start codon, C replaced by T.
Genome position (GRCh38, 1-based): chr22:23,786,743, C>T. VCF-style: chr22-23786743-C-T. GRCh37 (hg19) VCF-style: chr22-24128930-C-T.
Identifiers: ClinVar variation 674081 (VCV000674081.3), dbSNP rs6003880, ClinGen allele CA322592159.
Genomic context (GRCh38, chr22:23,786,743, plus strand): 5'-AAGCATGCCCAGACCACCCAGGCTTCCAGATACTAGGTCCTCCTCCTTCAGGCCTCACTT[C>T]GTTGCTTTTCCCCTGGGCTCAGTTCCAGTCCTGGCTGTAAGACTGGGAAAGCCACTGCTT-3'